The following is an entry in ClinVar:

ClinVar aggregate classification (germline): Uncertain significance (1 of 4 stars; one submission).

Conditions:
Hartsfield-Bixler-Demyer syndrome (HRTFDS). Also called: Hartsfield syndrome; FGFR1-Related Hartsfield Syndrome; Holoprosencephaly, ectrodactyly, and bilateral cleft lip/palate. Identifiers: Orphanet 2117, MedGen C1845146, MONDO:0014196, OMIM 615465. Disease mechanism: loss of function.
Osteoglophonic dysplasia (OGD). Also called: Osteoglophonic dwarfism. Identifiers: Orphanet 2645, MedGen C0432283, MONDO:0008150, OMIM 166250.
Encephalocraniocutaneous lipomatosis (ECCL). Identifiers: Orphanet 2396, MedGen C0406612, MONDO:0013074, OMIM 613001.
Trigonocephaly 1 (TRIGNO1). Identifiers: Orphanet 3366, MedGen C0432122, MONDO:0008603, OMIM 190440.
Pfeiffer syndrome (ACS5). Also called: ACS V. Identifiers: Orphanet 710, MedGen C0220658, MONDO:0007043, OMIM 101600.
Jackson-Weiss syndrome (JWS). Also called: CRANIOSYNOSTOSIS, MIDFACIAL HYPOPLASIA, AND FOOT ABNORMALITIES. Identifiers: Orphanet 1540, MedGen C0795998, MONDO:0007400, OMIM 123150. Disease mechanism: loss of function.
Hypogonadotropic hypogonadism 2 with or without anosmia (HH2). Also called: HYPOGONADOTROPIC HYPOGONADISM 2 WITHOUT ANOSMIA; FGFR1-Related GnRH Deficiency (Kallmann Syndrome 2); HYPOGONADOTROPIC HYPOGONADISM 2 WITHOUT ANOSMIA, SUSCEPTIBILITY TO; HYPOGONADOTROPIC HYPOGONADISM 2 WITH OR WITHOUT ANOSMIA, SUSCEPTIBILITY TO. Identifiers: Orphanet 478, MedGen C1563720, MONDO:0007844, OMIM 147950. Disease mechanism: loss of function.

Submission:

Juno Genomics, Hangzhou Juno Genomics, Inc
Classification: Uncertain significance for Encephalocraniocutaneous lipomatosis; Hartsfield-Bixler-Demyer syndrome; Hypogonadotropic hypogonadism 2 with or without anosmia; Jackson-Weiss syndrome; Osteoglophonic dysplasia; Pfeiffer syndrome; Trigonocephaly 1. Review status: criteria provided, single submitter. Criteria: ACMG Guidelines, 2015. Collection method: clinical testing. Allele origin: germline.
Comment: Absent from controls (or at extremely low frequency if recessive) in Genome Aggregation Database.;De novo (both maternity and paternity confirmed) in a patient with the disease and no family history.;Multiple lines of computational evidence suggest no impact on gene or gene product.

NM_023110.3(FGFR1):c.1855-9C>T

Gene: FGFR1 (fibroblast growth factor receptor 1; minus strand). Cytogenetic location: 8p11.23.
Variant type: single nucleotide variant.
Coding change: c.1855-9C>T on transcript NM_023110.3 (MANE Select); 9 bases into the intron before coding-DNA position 1855, C replaced by T.
Molecular consequence: intron variant.
Genome position (GRCh38, 1-based): chr8:38,414,910, G>A on the plus strand (C>T on the coding strand, the complement: FGFR1 is on the minus strand). VCF-style: chr8-38414910-G-A. GRCh37 (hg19) VCF-style: chr8-38272428-G-A.
Other names: c.1576-9C>T (NM_001354368.2); c.1582-9C>T (NM_001354370.2, NM_023106.3); c.1588-9C>T (NM_023105.3, NM_001174066.2); c.1849-9C>T (NM_001354367.2, NM_015850.4, NM_001174063.2 and 1 more transcripts); c.1825-9C>T (NM_001174064.2); c.1843-9C>T (NM_001354369.2, NM_001410922.1); c.1948-9C>T (NM_001174067.2).
Identifiers: ClinVar variation 5007308 (VCV005007308.2).